The following is an entry in ClinVar:

NM_002734.5(PRKAR1A):c.424G>C (p.Asp142His)

Gene: PRKAR1A (protein kinase cAMP-dependent type I regulatory subunit alpha; plus strand). Cytogenetic location: 17q24.2.
Variant type: single nucleotide variant.
Coding change: c.424G>C on transcript NM_002734.5 (MANE Select); coding-DNA position 424, G replaced by C.
Protein change: p.Asp142His; replaces aspartic acid 142 with histidine.
Molecular consequence: missense variant.
Genome position (GRCh38, 1-based): chr17:68,523,800, G>C. VCF-style: chr17-68523800-G-C. GRCh37 (hg19) VCF-style: chr17-66519941-G-C.
Other names: c.424G>C, p.Asp142His (NM_001276289.2, NM_001276290.1, NM_001278433.2 and 4 more transcripts); short protein forms D142H.
Identifiers: ClinVar variation 1739074 (VCV001739074.2), dbSNP rs2509405139, ClinGen allele CA400752714.

ClinVar aggregate classification (germline): Uncertain significance (1 of 4 stars; one submission).

Conditions:
Hereditary cancer-predisposing syndrome. Also called: Hereditary Cancer Syndrome; Hereditary neoplastic syndrome; Neoplastic Syndromes, Hereditary; Tumor predisposition. Identifiers: Orphanet 140162, MedGen C0027672, MeSH D009386, MONDO:0015356.

Submission:

Ambry Genetics
Classification: Uncertain significance for Hereditary cancer-predisposing syndrome. Last evaluated: 2020-09-30. Review status: criteria provided, single submitter. Criteria: Ambry Variant Classification Scheme 2023. Collection method: clinical testing. Allele origin: germline.
Comment: The p.D142H variant (also known as c.424G>C), located in coding exon 3 of the PRKAR1A gene, results from a G to C substitution at nucleotide position 424. The aspartic acid at codon 142 is replaced by histidine, an amino acid with similar properties. This amino acid position is highly conserved in available vertebrate species. In addition, this alteration is predicted to be deleterious by in silico analysis. Since supporting evidence is limited at this time, the clinical significance of this alteration remains unclear.